The following is an entry in ClinVar:

ClinVar aggregate classification (germline): Uncertain significance (1 of 4 stars; one submission).

Conditions:
Hermansky-Pudlak syndrome 2 (HPS2). Also called: Platelet defects and oculocutaneous albinism. Identifiers: Orphanet 183678, Orphanet 79430, MedGen C1842362, MONDO:0011997, OMIM 608233.

Allele frequency attached by ClinVar (database versions not stated): gnomAD 0.00001 and 0.00002; TOPMed 0.00001; gnomAD exomes 0.00002; ExAC 0.00003.
gnomAD v4.1: 18 of 1,613,154 alleles (0.0011%); highest among the groups gnomAD compares: Non-Finnish European, 0.0014%; no homozygotes.

Submission:

Labcorp Genetics (formerly Invitae), Labcorp
Classification: Uncertain significance for Hermansky-Pudlak syndrome 2. Last evaluated: 2022-06-27. Review status: criteria provided, single submitter. Criteria: Invitae Variant Classification Sherloc (09022015). Collection method: clinical testing. Allele origin: germline.
Comment: In summary, the available evidence is currently insufficient to determine the role of this variant in disease. Therefore, it has been classified as a Variant of Uncertain Significance. Algorithms developed to predict the effect of sequence changes on RNA splicing suggest that this variant may create or strengthen a splice site. Algorithms developed to predict the effect of missense changes on protein structure and function (SIFT, PolyPhen-2, Align-GVGD) all suggest that this variant is likely to be tolerated. This variant has not been reported in the literature in individuals affected with AP3B1-related conditions. This variant is present in population databases (rs775296594, gnomAD 0.004%). This sequence change replaces alanine, which is neutral and non-polar, with threonine, which is neutral and polar, at codon 643 of the AP3B1 protein (p.Ala643Thr).

NM_003664.5(AP3B1):c.1927G>A (p.Ala643Thr)

Gene: AP3B1 (adaptor related protein complex 3 subunit beta 1; minus strand). Cytogenetic location: 5q14.1.
Variant type: single nucleotide variant.
Coding change: c.1927G>A on transcript NM_003664.5 (MANE Select); coding-DNA position 1927, G replaced by A.
Protein change: p.Ala643Thr; replaces alanine 643 with threonine.
Molecular consequence: missense variant.
Genome position (GRCh38, 1-based): chr5:78,128,071, C>T on the plus strand (G>A on the coding strand, the complement: AP3B1 is on the minus strand). VCF-style: chr5-78128071-C-T. GRCh37 (hg19) VCF-style: chr5-77423895-C-T.
Other names: c.1780G>A, p.Ala594Thr (NM_001271769.2); short protein forms A643T, A594T.
Identifiers: ClinVar variation 1496495 (VCV001496495.4), dbSNP rs775296594, ClinGen allele CA3316923.